The following is an entry in ClinVar:

ClinVar aggregate classification (germline): Uncertain significance (1 of 4 stars; one submission).

Conditions:
Cardiovascular phenotype. Identifiers: MedGen CN230736.

Submission:

Molecular Diagnostic Laboratory for Inherited Cardiovascular Disease, Montreal Heart Institute
Classification: Uncertain significance for Cardiovascular phenotype. Last evaluated: 2025-07-24. Review status: criteria provided, single submitter. Criteria: ACMG Guidelines, 2015. Collection method: clinical testing. Allele origin: germline. Affected: yes.
Comment: PM2, PP2

NM_001035.3(RYR2):c.4571G>C (p.Gly1524Ala)

Gene: RYR2 (ryanodine receptor 2; plus strand). Cytogenetic location: 1q43.
Variant type: single nucleotide variant.
Coding change: c.4571G>C on transcript NM_001035.3 (MANE Select); coding-DNA position 4571, G replaced by C.
Protein change: p.Gly1524Ala; replaces glycine 1524 with alanine.
Molecular consequence: missense variant.
Genome position (GRCh38, 1-based): chr1:237,595,632, G>C. VCF-style: chr1-237595632-G-C. GRCh37 (hg19) VCF-style: chr1-237758932-G-C.
Other names: short protein forms G1524A.
Identifiers: ClinVar variation 4076455 (VCV004076455.1).